The following is an entry in ClinVar:

NM_000180.4(GUCY2D):c.3245G>C (p.Ser1082Thr)

Gene: GUCY2D (guanylate cyclase 2D, retinal; plus strand). Cytogenetic location: 17p13.1.
Variant type: single nucleotide variant.
Coding change: c.3245G>C on transcript NM_000180.4 (MANE Select); coding-DNA position 3245, G replaced by C.
Protein change: p.Ser1082Thr; replaces serine 1082 with threonine.
Molecular consequence: missense variant.
Genome position (GRCh38, 1-based): chr17:8,016,463, G>C. VCF-style: chr17-8016463-G-C. GRCh37 (hg19) VCF-style: chr17-7919781-G-C.
Other names: short protein forms S1082T.
Identifiers: ClinVar variation 1397051 (VCV001397051.6), dbSNP rs750743574, ClinGen allele CA8366367.
Genomic context (GRCh38, chr17:8,016,463, plus strand): 5'-CCCATTCCCCTTCCCTGAGGCCACCGCCCCCTCCTTGCAGGTCCAGCAACCACGGCATCA[G>C]CCTGCAGGAGATCCCACCCGAGCGGCGACGGAAGCTGGAGAAGGCGCGGCCGGGCCAGTT-3'
Protein context (NP_000171.1, residues 1072-1092): LQPGSSNHGI[Ser1082Thr]LQEIPPERRR

ClinVar aggregate classification (germline): Uncertain significance (1 of 4 stars; one submission).

Conditions:
Cone-rod dystrophy 6 (CORD6). Also called: RETINAL CONE DYSTROPHY 2; Cone dystrophy progressive. Identifiers: Orphanet 1872, MedGen C1866293, MONDO:0011143, OMIM 601777.
Leber congenital amaurosis 1 (LCA1). Also called: Congenital absence of the rods and cones; Leber's congenital tapetoretinal degeneration; Leber's congenital tapetoretinal dysplasia; AMAUROSIS CONGENITA OF LEBER I; RETINAL BLINDNESS, CONGENITAL. Identifiers: Orphanet 65, MedGen C2931258, MONDO:0008764, OMIM 204000.

Allele frequency attached by ClinVar (database versions not stated): TOPMed below 0.00001; gnomAD 0.00001; gnomAD exomes 0.00003 and 0.00004; ExAC 0.00017.
gnomAD v4.1: 32 of 1,574,120 alleles (0.002%); highest among the groups gnomAD compares: Non-Finnish European, 0.0015%; no homozygotes.

Submission:

Labcorp Genetics (formerly Invitae), Labcorp
Classification: Uncertain significance for Leber congenital amaurosis 1; Cone-rod dystrophy 6. Last evaluated: 2021-07-31. Review status: criteria provided, single submitter. Criteria: Invitae Variant Classification Sherloc (09022015). Collection method: clinical testing. Allele origin: germline.
Comment: This sequence change replaces serine with threonine at codon 1082 of the GUCY2D protein (p.Ser1082Thr). The serine residue is highly conserved and there is a small physicochemical difference between serine and threonine. This variant is present in population databases (rs750743574, ExAC 0.04%). This variant has not been reported in the literature in individuals affected with GUCY2D-related conditions. Algorithms developed to predict the effect of missense changes on protein structure and function are either unavailable or do not agree on the potential impact of this missense change (SIFT: "Deleterious"; PolyPhen-2: "Possibly Damaging"; Align-GVGD: "Class C0"). In summary, the available evidence is currently insufficient to determine the role of this variant in disease. Therefore, it has been classified as a Variant of Uncertain Significance.